The following is an entry in ClinVar:

NM_000138.5(FBN1):c.6663T>G (p.Cys2221Trp)

Gene: FBN1 (fibrillin 1; minus strand). Cytogenetic location: 15q21.1.
Variant type: single nucleotide variant.
Coding change: c.6663T>G on transcript NM_000138.5 (MANE Select); coding-DNA position 6663, T replaced by G.
Protein change: p.Cys2221Trp; replaces cysteine 2221 with tryptophan.
Molecular consequence: missense variant.
Genome position (GRCh38, 1-based): chr15:48,432,942, A>C on the plus strand (T>G on the coding strand, the complement: FBN1 is on the minus strand). VCF-style: chr15-48432942-A-C. GRCh37 (hg19) VCF-style: chr15-48725139-A-C.
Other names: short protein forms C2221W.
Identifiers: ClinVar variation 1453015 (VCV001453015.8), dbSNP rs2141235147, ClinGen allele CA392333548.

ClinVar aggregate classification (germline): Pathogenic (1 of 4 stars; one submission).

Conditions:
Marfan syndrome (MFS). Also called: MARFAN SYNDROME, TYPE I; Marfan syndrome type 1; Marfan's syndrome; Marfan syndrome, classic; FBN1-Related Marfan Syndrome. Identifiers: Orphanet 284963, Orphanet 558, MedGen C0024796, MONDO:0007947, OMIM 154700.
Familial thoracic aortic aneurysm and aortic dissection (TAAD). Also called: Thoracic aortic aneurysms and dissections. Identifiers: Orphanet 91387, MedGen C4707243, MONDO:0019625.

Submission:

Labcorp Genetics (formerly Invitae), Labcorp
Classification: Pathogenic for Marfan syndrome; Familial thoracic aortic aneurysm and aortic dissection. Last evaluated: 2022-07-12. Review status: criteria provided, single submitter. Criteria: Invitae Variant Classification Sherloc (09022015). Collection method: clinical testing. Allele origin: germline.
Comment: For these reasons, this variant has been classified as Pathogenic. This variant disrupts the p.Cys2221 amino acid residue in FBN1. Other variant(s) that disrupt this residue have been observed in individuals with FBN1-related conditions (PMID: 10486319, 12203992, 26787436), which suggests that this may be a clinically significant amino acid residue. This variant affects a cysteine residue in the EGF-like, TGFBP or hybrid motif domains of FBN1. Cysteine residues are believed to be involved in intramolecular disulfide bridges and have been shown to be important for FBN1 protein structure (PMID: 16905551, 19349279). In addition, missense substitutions affecting cysteine residues within these domains are significantly overrepresented among patients with Marfan syndrome (PMID: 16571647, 17701892). Advanced modeling of protein sequence and biophysical properties (such as structural, functional, and spatial information, amino acid conservation, physicochemical variation, residue mobility, and thermodynamic stability) performed at Invitae indicates that this missense variant is expected to disrupt FBN1 protein function. ClinVar contains an entry for this variant (Variation ID: 1453015). This variant has not been reported in the literature in individuals affected with FBN1-related conditions. This variant is not present in population databases (gnomAD no frequency). This sequence change replaces cysteine, which is neutral and slightly polar, with tryptophan, which is neutral and slightly polar, at codon 2221 of the FBN1 protein (p.Cys2221Trp).

Literature cited by the submitters: PubMed 10486319; PubMed 12203992; PubMed 26787436; PubMed 16905551; PubMed 19349279; PubMed 16571647; PubMed 17701892.